The following is an entry in ClinVar:

ClinVar aggregate classification (germline): Uncertain significance (1 of 4 stars; one submission).

Allele frequency attached by ClinVar (database versions not stated): TOPMed below 0.00001; ExAC 0.00001; gnomAD 0.00001; gnomAD exomes 0.00001; ESP Exome Variant Server 0.00008.
gnomAD v4.1: 14 of 1,613,770 alleles (0.00087%); highest among the groups gnomAD compares: Non-Finnish European, 0.0012%; no homozygotes.

Submission:

Labcorp Genetics (formerly Invitae), Labcorp
Classification: Uncertain significance. Last evaluated: 2022-10-06. Review status: criteria provided, single submitter. Criteria: Invitae Variant Classification Sherloc (09022015). Collection method: clinical testing. Allele origin: germline.
Comment: This sequence change replaces glycine, which is neutral and non-polar, with serine, which is neutral and polar, at codon 833 of the COL7A1 protein (p.Gly833Ser). This variant is present in population databases (rs143142534, gnomAD 0.004%). This variant has not been reported in the literature in individuals affected with COL7A1-related conditions. Advanced modeling of protein sequence and biophysical properties (such as structural, functional, and spatial information, amino acid conservation, physicochemical variation, residue mobility, and thermodynamic stability) performed at Invitae indicates that this missense variant is not expected to disrupt COL7A1 protein function. Algorithms developed to predict the effect of sequence changes on RNA splicing suggest that this variant may create or strengthen a splice site. In summary, the available evidence is currently insufficient to determine the role of this variant in disease. Therefore, it has been classified as a Variant of Uncertain Significance.

NM_000094.4(COL7A1):c.2497G>A (p.Gly833Ser)

Gene: COL7A1 (collagen type VII alpha 1 chain; minus strand). Cytogenetic location: 3p21.31.
Variant type: single nucleotide variant.
Coding change: c.2497G>A on transcript NM_000094.4 (MANE Select); coding-DNA position 2497, G replaced by A.
Protein change: p.Gly833Ser; replaces glycine 833 with serine.
Molecular consequence: missense variant.
Genome position (GRCh38, 1-based): chr3:48,588,732, C>T on the plus strand (G>A on the coding strand, the complement: COL7A1 is on the minus strand). VCF-style: chr3-48588732-C-T. GRCh37 (hg19) VCF-style: chr3-48626165-C-T.
Other names: short protein forms G833S.
Identifiers: ClinVar variation 2414521 (VCV002414521.3), dbSNP rs143142534, ClinGen allele CA2380867.